The following is an entry in ClinVar:

ClinVar aggregate classification (germline): Uncertain significance (1 of 4 stars; one submission).

Allele frequency attached by ClinVar (database versions not stated): TOPMed below 0.00001; gnomAD exomes 0.00001.
gnomAD v4.1: 10 of 1,614,134 alleles (0.00062%); highest among the groups gnomAD compares: Non-Finnish European, 0.00085%; no homozygotes.

Submission:

Labcorp Genetics (formerly Invitae), Labcorp
Classification: Uncertain significance. Last evaluated: 2025-05-05. Review status: criteria provided, single submitter. Criteria: Invitae Variant Classification Sherloc (09022015). Collection method: clinical testing. Allele origin: germline.
Comment: This sequence change replaces lysine, which is basic and polar, with glutamic acid, which is acidic and polar, at codon 5 of the LBR protein (p.Lys5Glu). This variant is not present in population databases (gnomAD no frequency). This variant has not been reported in the literature in individuals affected with LBR-related conditions. ClinVar contains an entry for this variant (Variation ID: 1909968). Invitae Evidence Modeling of protein sequence and biophysical properties (such as structural, functional, and spatial information, amino acid conservation, physicochemical variation, residue mobility, and thermodynamic stability) has been performed for this missense variant. However, the output from this modeling did not meet the statistical confidence thresholds required to predict the impact of this variant on LBR protein function. In summary, the available evidence is currently insufficient to determine the role of this variant in disease. Therefore, it has been classified as a Variant of Uncertain Significance.

NM_002296.4(LBR):c.13A>G (p.Lys5Glu)

Gene: LBR (lamin B receptor; minus strand). Cytogenetic location: 1q42.12.
Variant type: single nucleotide variant.
Coding change: c.13A>G on transcript NM_002296.4 (MANE Select); coding-DNA position 13, A replaced by G.
Protein change: p.Lys5Glu; replaces lysine 5 with glutamic acid.
Molecular consequence: missense variant.
Genome position (GRCh38, 1-based): chr1:225,424,063, T>C on the plus strand (A>G on the coding strand, the complement: LBR is on the minus strand). VCF-style: chr1-225424063-T-C. GRCh37 (hg19) VCF-style: chr1-225611765-T-C.
Other names: c.13A>G, p.Lys5Glu (NM_194442.3); short protein forms K5E.
Identifiers: ClinVar variation 1909968 (VCV001909968.5), dbSNP rs2096134191, ClinGen allele CA345003732.